The following is an entry in ClinVar:

NM_020778.5(ALPK3):c.3552A>T (p.Glu1184Asp)

Gene: ALPK3 (alpha kinase 3; plus strand). Cytogenetic location: 15q25.3.
Variant type: single nucleotide variant.
Coding change: c.3552A>T on transcript NM_020778.5 (MANE Select); coding-DNA position 3552, A replaced by T.
Protein change: p.Glu1184Asp; replaces glutamic acid 1184 with aspartic acid.
Molecular consequence: missense variant.
Genome position (GRCh38, 1-based): chr15:84,858,290, A>T. VCF-style: chr15-84858290-A-T. GRCh37 (hg19) VCF-style: chr15-85401521-A-T.
Other names: short protein forms E1184D.
Identifiers: ClinVar variation 2321474 (VCV002321474.5), dbSNP rs1567094183, ClinGen allele CA393360493.

ClinVar aggregate classification (germline): Conflicting classifications of pathogenicity. Review status: criteria provided, conflicting classifications (1 of 4 stars). 3 submissions from 3 submitters: Uncertain significance (2); Likely benign (1). Last evaluated 2025-11-05.

Conditions:
Cardiovascular phenotype. Identifiers: MedGen CN230736.

Submissions (3):

Labcorp Genetics (formerly Invitae), Labcorp
Classification: Uncertain significance. Last evaluated: 2025-11-05. Review status: criteria provided, single submitter. Criteria: Invitae Variant Classification Sherloc (09022015). Collection method: clinical testing. Allele origin: germline.
Comment: This sequence change replaces glutamic acid, which is acidic and polar, with aspartic acid, which is acidic and polar, at codon 1386 of the ALPK3 protein (p.Glu1386Asp). The frequency data for this variant in the population databases is considered unreliable, as metrics indicate poor data quality at this position in the gnomAD database. This variant has not been reported in the literature in individuals affected with ALPK3-related conditions. ClinVar contains an entry for this variant (Variation ID: 2321474). Invitae Evidence Modeling of protein sequence and biophysical properties (such as structural, functional, and spatial information, amino acid conservation, physicochemical variation, residue mobility, and thermodynamic stability) indicates that this missense variant is expected to disrupt ALPK3 protein function with a positive predictive value of 80%. In summary, the available evidence is currently insufficient to determine the role of this variant in disease. Therefore, it has been classified as a Variant of Uncertain Significance.

Ambry Genetics
Classification: Likely benign for Cardiovascular phenotype. Last evaluated: 2024-07-29. Review status: criteria provided, single submitter. Criteria: Ambry Variant Classification Scheme 2023. Collection method: clinical testing. Allele origin: germline.

GeneDx
Classification: Uncertain significance. Last evaluated: 2024-05-16. Review status: criteria provided, single submitter. Criteria: GeneDx Variant Classification Process June 2021. Collection method: clinical testing. Allele origin: germline. Affected: yes.
Comment: Not observed at significant frequency in large population cohorts (gnomAD); In silico analysis indicates that this missense variant does not alter protein structure/function; Has not been previously published as pathogenic or benign to our knowledge